The following is an entry in ClinVar:

NM_001009944.3(PKD1):c.8850C>T (p.Pro2950=)

Gene: PKD1 (polycystin 1, transient receptor potential channel interacting; minus strand). Cytogenetic location: 16p13.3.
Variant type: single nucleotide variant.
Coding change: c.8850C>T on transcript NM_001009944.3 (MANE Select); coding-DNA position 8850, C replaced by T.
Protein change: p.Pro2950=; no amino-acid change (proline 2950 retained).
Molecular consequence: synonymous variant.
Genome position (GRCh38, 1-based): chr16:2,102,912, G>A on the plus strand (C>T on the coding strand, the complement: PKD1 is on the minus strand). VCF-style: chr16-2102912-G-A. GRCh37 (hg19) VCF-style: chr16-2152913-G-A.
Other names: c.8850C>T, p.Pro2950= (NM_000296.4).
Identifiers: ClinVar variation 2645997 (VCV002645997.26), dbSNP rs748155379, ClinGen allele CA7830330.

ClinVar aggregate classification (germline): Likely benign. Review status: criteria provided, multiple submitters, no conflicts (2 of 4 stars). 3 submissions from 3 submitters: Likely benign (3). Last evaluated 2026-09-12.

Conditions:
PKD1-related disorder. Also called: PKD1-related condition.

Allele frequency attached by ClinVar (database versions not stated): TOPMed 0.00004; gnomAD 0.00007; ExAC 0.00008; gnomAD exomes 0.00008.
gnomAD v4.1: 133 of 1,609,592 alleles (0.0083%); highest among the groups gnomAD compares: Non-Finnish European, 0.0085%; no homozygotes.

Submissions (3):

PreventionGenetics, part of Exact Sciences
Classification: Likely benign for PKD1-related condition. Last evaluated: 2026-09-12. Review status: criteria provided, single submitter. Criteria: ACMG Guidelines, 2015. Collection method: clinical testing. Allele origin: germline.
Comment: This variant is classified as likely benign based on ACMG/AMP sequence variant interpretation guidelines (Richards et al. 2015 PMID: 25741868, with internal and published modifications).

Laboratory of Genetics, Children's Clinical University Hospital Latvia
Classification: Likely benign. Last evaluated: 2025-02-16. Review status: criteria provided, single submitter. Criteria: ACMG Guidelines, 2015. Collection method: clinical testing. Allele origin: germline. Affected: yes.

CeGaT Center for Human Genetics Tuebingen
Classification: Likely benign. Last evaluated: 2022-09-01. Review status: criteria provided, single submitter. Criteria: CeGaT Center For Human Genetics Tuebingen Variant Classification Criteria Version 2. Collection method: clinical testing. Allele origin: germline. Affected: yes. Observed: 1 variant allele.
Comment: PKD1: BP4, BP7